The following is an entry in ClinVar:

NM_015275.3(WASHC4):c.1444C>T (p.Leu482Phe)

Gene: WASHC4 (WASH complex subunit 4; plus strand). Cytogenetic location: 12q23.3.
Variant type: single nucleotide variant.
Coding change: c.1444C>T on transcript NM_015275.3 (MANE Select); coding-DNA position 1444, C replaced by T.
Protein change: p.Leu482Phe; replaces leucine 482 with phenylalanine.
Molecular consequence: missense variant.
Genome position (GRCh38, 1-based): chr12:105,138,003, C>T. VCF-style: chr12-105138003-C-T. GRCh37 (hg19) VCF-style: chr12-105531781-C-T.
Other names: c.1447C>T, p.Leu483Phe (NM_001293640.2); short protein forms L482F, L483F.
Identifiers: ClinVar variation 3039960 (VCV003039960.2), dbSNP rs143602361, ClinGen allele CA6758602.

ClinVar aggregate classification (germline): Likely benign (0 of 4 stars; one submission).

Conditions:
WASHC4-related disorder. Also called: WASHC4-related condition.

Allele frequency attached by ClinVar (database versions not stated): gnomAD exomes 0.00023; gnomAD 0.00027; TOPMed 0.00034; ExAC 0.00079; 1000 Genomes Project 0.00140; 1000 Genomes Project 30x 0.00187.

Submission:

PreventionGenetics, part of Exact Sciences
Classification: Likely benign for WASHC4-related condition. Last evaluated: 2020-05-11. Review status: no assertion criteria provided. Collection method: clinical testing. Allele origin: germline.
Comment: This variant is classified as likely benign based on ACMG/AMP sequence variant interpretation guidelines (Richards et al. 2015 PMID: 25741868, with internal and published modifications).